The following is an entry in ClinVar:

NM_001302371.3(NBPF10):c.84G>T (p.Leu28=)

Gene: NBPF10 (NBPF member 10; minus strand). Cytogenetic location: 1q21.1.
Variant type: single nucleotide variant.
Coding change: c.84G>T on transcript NM_001302371.3 (MANE Select); coding-DNA position 84, G replaced by T.
Protein change: p.Leu28=; no amino-acid change (leucine 28 retained).
Molecular consequence: synonymous variant.
Genome position (GRCh38, 1-based): chr1:146,144,686, C>A on the plus strand (G>T on the coding strand, the complement: NBPF10 is on the minus strand). VCF-style: chr1-146144686-C-A. GRCh37 (hg19) VCF-style: chr1-145293489-G-T.
Other names: c.84G>T, p.Leu28= (NM_001039703.6).
Identifiers: ClinVar variation 3771134 (VCV003771134.13).
Genomic context (GRCh38, chr1:146,144,686, plus strand): 5'-GGCCAGTTGAGTTAGAAAACATTTCTCTTTGAGGCTTCTGAACTGCTGTTTCTTCTCTGC[C>A]AGCTGGGGGCGCAATGTCTCGTTGATTTCTAGAATGTTCATCTCTGCCTTCTCACTGGAC-3'
Protein context (NP_001289300.1, residues 18-38): LEINETLRPQ[Leu28=]AEKKQQFRSL

ClinVar aggregate classification (germline): Likely benign (1 of 4 stars; one submission).

Submission:

CeGaT Center for Human Genetics Tuebingen
Classification: Likely benign. Last evaluated: 2025-02-01. Review status: criteria provided, single submitter. Criteria: CeGaT Center For Human Genetics Tuebingen Variant Classification Criteria Version 2. Collection method: clinical testing. Allele origin: germline. Affected: yes. Observed: 1 variant allele.
Comment: NBPF10: PM2:Supporting, BP4, BP7